The following is an entry in ClinVar:

NM_000518.5(HBB):c.143_146dup (p.Thr51fs)

Genes: HBB (hemoglobin subunit beta; minus strand), LOC106099062 (HBB recombination region; plus strand), LOC107133510 (origin of replication at HBB; plus strand). Cytogenetic location: 11p15.4.
Variant type: Duplication.
Coding change: c.143_146dup on transcript NM_000518.5 (MANE Select); coding-DNA positions 143 to 146, 4 bases duplicated (ATCT; older notation c.143_146dupATCT).
Protein change: p.Thr51fs; shifts the reading frame from threonine 51.
Molecular consequence: frameshift variant.
Genome position (GRCh38, 1-based): chr11:5,226,746-5,226,749, AGAT duplicated on the plus strand (ATCT on the coding strand, the reverse complement: HBB is on the minus strand). VCF-style (leftmost placement, unchanged base first): chr11-5226745-C-CAGAT. GRCh37 (hg19) VCF-style: chr11-5247975-C-CAGAT.
Other names: CD 47/48 (+ATCT); c.143_146dupATCT (NM_000518.4); short protein forms T51fs.
Identifiers: ClinVar variation 439135 (VCV000439135.17), dbSNP rs35619054, ClinGen allele CA217114348.

ClinVar aggregate classification (germline): Pathogenic. Review status: criteria provided, multiple submitters, no conflicts (2 of 4 stars). 5 submissions from 5 submitters: Pathogenic (4). 1 of the submissions does not count toward it. Last evaluated 2026-04-09.

Conditions:
beta Thalassemia (BTHAL). Also called: Cooley's anemia; Erythroblastic anemia; Mediterranean anemia. Identifiers: Orphanet 848, MedGen C0005283, MONDO:0019402. Disease mechanism: loss of function.

Submissions (5):

GeneDx
Classification: Pathogenic. Last evaluated: 2026-04-09. Review status: criteria provided, single submitter. Criteria: GeneDx Variant Classification Process June 2021. Collection method: clinical testing. Allele origin: germline.
Comment: Frameshift variant predicted to result in protein truncation or nonsense mediated decay in a gene for which loss of function is a known mechanism of disease; Not observed at significant frequency in large population cohorts (gnomAD); This variant is associated with the following publications: (PMID: 8199027, 23590658, 20132300, 8081396)

Quest Diagnostics Nichols Institute San Juan Capistrano
Classification: Pathogenic. Last evaluated: 2023-03-16. Review status: criteria provided, single submitter. Criteria: Quest Diagnostics criteria. Collection method: clinical testing. Allele origin: unknown.
Comment: The HBB c.143_146dup (p.Thr51Valfs*4) frameshift variant alters the translational reading frame of the HBB mRNA and causes the premature termination of HBB protein synthesis. It has not been reported in large, multi-ethnic general populations. In the published literature, the variant has been reported in multiple individuals with beta thalassemia (PMID: 8081396 (1994), 8199027 (1994), 7558874 (1995), 20132300 (2010), 23590658 (2013)). Based on the available information, this variant is classified as pathogenic.

Labcorp Genetics (formerly Invitae), Labcorp
Classification: Pathogenic. Last evaluated: 2023-01-08. Review status: criteria provided, single submitter. Criteria: Invitae Variant Classification Sherloc (09022015). Collection method: clinical testing. Allele origin: germline.
Comment: For these reasons, this variant has been classified as Pathogenic. ClinVar contains an entry for this variant (Variation ID: 439135). This variant is also known as insertion of 4 nucleotides (ATCT) at codon 48, codons 47/48 (+ATCT). This premature translational stop signal has been observed in individual(s) with beta thalassemia (PMID: 8081396). This variant is not present in population databases (gnomAD no frequency). This sequence change creates a premature translational stop signal (p.Thr51Valfs*4) in the HBB gene. It is expected to result in an absent or disrupted protein product. Loss-of-function variants in HBB are known to be pathogenic (PMID: 23637309).

Women's Health and Genetics/Laboratory Corporation of America, LabCorp
Classification: Pathogenic for beta Thalassemia. Last evaluated: 2020-10-12. Review status: criteria provided, single submitter. Criteria: LabCorp Variant Classification Summary - May 2015. Collection method: clinical testing. Allele origin: germline.
Comment: Variant summary: HBB c.143_146dupATCT (p.Thr51ValfsX4) results in a premature termination codon, predicted to cause a truncation of the encoded protein or absence of the protein due to nonsense mediated decay, which are commonly known mechanisms for disease. Truncations downstream of this position have been classified as pathogenic by our laboratory. The variant was absent in 251424 control chromosomes (gnomAD). c.143_146dupATCT [also known as CD 47/48 (+ATCT) and as c.146_147insATCT] has been reported in the literature, in the compound heterozygous and homozygous states, in multiple individuals affected with Beta Thalassemia (e.g. Garewal_1994, Jain_1994, Sharma_2010, Hoppe_2013). These data indicate that the variant is very likely to be associated with disease. Three ClinVar submitters (evaluation after 2014) cite the variant as pathogenic. Based on the evidence outlined above, the variant was classified as pathogenic.

The ITHANET community portal, The Cyprus Institute of Neurology and Genetics
Classification: Pathogenic for beta Thalassemia. Last evaluated: 2019-11-25. Review status: no assertion criteria provided. Collection method: curation. Allele origin: germline. Not counted in ClinVar's aggregate classification.

Literature cited by the submitters: PubMed 23590658 (cited by Quest Diagnostics Nichols Institute San Juan Capistrano and Women's Health and Genetics/Laboratory Corporation of America, LabCorp); PubMed 8199027 (cited by 3 submitters); PubMed 7558874 (cited by Quest Diagnostics Nichols Institute San Juan Capistrano and The ITHANET community portal, The Cyprus Institute of Neurology and Genetics); PubMed 8081396 (cited by 3 submitters); PubMed 20132300 (cited by Quest Diagnostics Nichols Institute San Juan Capistrano and Women's Health and Genetics/Laboratory Corporation of America, LabCorp); PubMed 23637309 (cited by Labcorp Genetics (formerly Invitae), Labcorp).